The following is an entry in ClinVar:

ClinVar aggregate classification (germline): Pathogenic/Likely pathogenic. Review status: criteria provided, multiple submitters, no conflicts (2 of 4 stars). 2 submissions from 2 submitters: Pathogenic (1); Likely pathogenic (1). Last evaluated 2024-04-11.

Conditions:
Autosomal recessive polycystic kidney disease (ARPKD). Also called: AR polycystic kidney disease. Identifiers: Orphanet 731, Orphanet 8378, MedGen C0085548, MeSH D017044, MONDO:0009889.
Polycystic kidney disease 4 (PKD4). Also called: POLYCYSTIC KIDNEY AND HEPATIC DISEASE 1; POLYCYSTIC KIDNEY DISEASE, INFANTILE, TYPE I; PKD3; POLYCYSTIC KIDNEY DISEASE 4 WITH OR WITHOUT POLYCYSTIC LIVER DISEASE; Autosomal Recessive Polycystic Kidney Disease – PKHD1. Identifiers: MedGen C4540575, MONDO:0033004, OMIM 263200.

Allele frequency attached by ClinVar (database versions not stated): gnomAD exomes below 0.00001.
gnomAD v4.1: 1 of 1,614,106 alleles (0.000062%); highest among the groups gnomAD compares: East Asian, 0.0022%; no homozygotes.

Submissions (2):

Natera, Inc.
Classification: Likely pathogenic for Autosomal recessive polycystic kidney disease. Last evaluated: 2024-04-11. Review status: criteria provided, single submitter. Criteria: Natera Variant Classification Schema (03/2026). Collection method: clinical testing. Allele origin: germline.
Comment: The c.1057C>T variant in PKHD1 is a nonsense variant predicted to introduce a stop codon at amino acid 353. This variant is expected to result in nonsense mediated decay, truncation, or a dysfunctional protein product. This variant is rare in the general population with a frequency below the threshold expected for the associated phenotype(s). Given the available evidence, this variant is classified as Likely Pathogenic.

Baylor Genetics
Classification: Pathogenic for Polycystic kidney disease 4. Last evaluated: 2023-09-24. Review status: criteria provided, single submitter. Criteria: ACMG Guidelines, 2015. Collection method: clinical testing. Allele origin: unknown.

NM_138694.4(PKHD1):c.1057C>T (p.Gln353Ter)

Gene: PKHD1 (PKHD1 ciliary IPT domain containing fibrocystin/polyductin; minus strand). Cytogenetic location: 6p12.2.
Variant type: single nucleotide variant.
Coding change: c.1057C>T on transcript NM_138694.4 (MANE Select); coding-DNA position 1057, C replaced by T.
Protein change: p.Gln353Ter; replaces glutamine 353 with a stop codon.
Molecular consequence: nonsense.
Genome position (GRCh38, 1-based): chr6:52,062,580, G>A on the plus strand (C>T on the coding strand, the complement: PKHD1 is on the minus strand). VCF-style: chr6-52062580-G-A. GRCh37 (hg19) VCF-style: chr6-51927378-G-A.
Other names: c.1057C>T, p.Gln353Ter (NM_170724.3); c.1057C>T (NM_138694.3); short protein forms Q353*.
Identifiers: ClinVar variation 2677780 (VCV002677780.2), dbSNP rs2533441844, ClinGen allele CA364428637.
Genomic context (GRCh38, chr6:52,062,580, plus strand): 5'-TGAAAGGTTGTCCTTCCTGTGACCAAAACCCAAATGGAGAACTGGCATTAGGGACAATCT[G>A]CCACCTGTACCCTGGGGTGGCTTCAGTCAGTTCCAGTCCCTCAACAGCATCTCCAACTTC-3'